The following is an entry in ClinVar:

ClinVar aggregate classification (germline): Uncertain significance (1 of 4 stars; one submission).

Submission:

Ambry Genetics
Classification: Uncertain significance. Last evaluated: 2025-01-23. Review status: criteria provided, single submitter. Criteria: Ambry Variant Classification Scheme 2023. Collection method: clinical testing. Allele origin: germline.
Comment: The p.T62P variant (also known as c.184A>C), located in coding exon 1 of the MC1R gene, results from an A to C substitution at nucleotide position 184. The threonine at codon 62 is replaced by proline, an amino acid with highly similar properties. This amino acid position is conserved. In addition, this alteration is predicted to be tolerated by in silico analysis. Based on the available evidence, the clinical significance of this variant remains unclear.

NM_002386.4(MC1R):c.184A>C (p.Thr62Pro)

Gene: MC1R (melanocortin 1 receptor; plus strand). Cytogenetic location: 16q24.3.
Variant type: single nucleotide variant.
Coding change: c.184A>C on transcript NM_002386.4 (MANE Select); coding-DNA position 184, A replaced by C.
Protein change: p.Thr62Pro; replaces threonine 62 with proline.
Molecular consequence: missense variant.
Genome position (GRCh38, 1-based): chr16:89,919,442, A>C. VCF-style: chr16-89919442-A-C. GRCh37 (hg19) VCF-style: chr16-89985850-A-C.
Other names: short protein forms T62P.
Identifiers: ClinVar variation 3871095 (VCV003871095.1).
Genomic context (GRCh38, chr16:89,919,442, plus strand): 5'-GACGGGCTCTTCCTCAGCCTGGGGCTGGTGAGCTTGGTGGAGAACGCGCTGGTGGTGGCC[A>C]CCATCGCCAAGAACCGGAACCTGCACTCACCCATGTACTGCTTCATCTGCTGCCTGGCCT-3'
Protein context (NP_002377.4, residues 52-72): SLVENALVVA[Thr62Pro]IAKNRNLHSP